The following is an entry in ClinVar:

NM_001385079.1(PDE10A):c.2519A>G (p.Tyr840Cys)

Gene: PDE10A (phosphodiesterase 10A; minus strand). Cytogenetic location: 6q27.
Variant type: single nucleotide variant.
Coding change: c.2519A>G on transcript NM_001385079.1 (MANE Select); coding-DNA position 2519, A replaced by G.
Protein change: p.Tyr840Cys; replaces tyrosine 840 with cysteine.
Molecular consequence: missense variant.
Genome position (GRCh38, 1-based): chr6:165,388,389, T>C on the plus strand (A>G on the coding strand, the complement: PDE10A is on the minus strand). VCF-style: chr6-165388389-T-C. GRCh37 (hg19) VCF-style: chr6-165801878-T-C.
Other names: c.1721A>G, p.Tyr574Cys (NM_001130690.3); c.1691A>G, p.Tyr564Cys (NM_006661.4); short protein forms Y574C, Y564C, Y840C.
Identifiers: ClinVar variation 1462602 (VCV001462602.8), dbSNP rs2128212906, ClinGen allele CA366393977.

ClinVar aggregate classification (germline): Uncertain significance (1 of 4 stars; one submission).

Submission:

Labcorp Genetics (formerly Invitae), Labcorp
Classification: Uncertain significance. Last evaluated: 2021-12-02. Review status: criteria provided, single submitter. Criteria: Invitae Variant Classification Sherloc (09022015). Collection method: clinical testing. Allele origin: germline.
Comment: In summary, the available evidence is currently insufficient to determine the role of this variant in disease. Therefore, it has been classified as a Variant of Uncertain Significance. This sequence change replaces tyrosine, which is neutral and polar, with cysteine, which is neutral and slightly polar, at codon 574 of the PDE10A protein (p.Tyr574Cys). This variant is not present in population databases (gnomAD no frequency). This variant has not been reported in the literature in individuals affected with PDE10A-related conditions. Algorithms developed to predict the effect of missense changes on protein structure and function (SIFT, PolyPhen-2, Align-GVGD) all suggest that this variant is likely to be disruptive.